The following is an entry in ClinVar:

ClinVar aggregate classification (germline): Conflicting classifications of pathogenicity. Review status: criteria provided, conflicting classifications (1 of 4 stars). 3 submissions from 3 submitters: Uncertain significance (1); Likely benign (1). 1 of the submissions does not count toward it. Last evaluated 2025-12-16.

Conditions:
Spermatogenic failure 18. Identifiers: MedGen C4539783, MONDO:0054615, OMIM 617576.
Ciliary dyskinesia, primary, 37 (CILD37). Also called: CILIARY DYSKINESIA, PRIMARY, 37, WITH OR WITHOUT SITUS INVERSUS. Identifiers: MedGen C4539798, MONDO:0033204, OMIM 617577.
DNAH1-related disorder. Also called: DNAH1-related condition.

Allele frequency attached by ClinVar (database versions not stated): gnomAD exomes 0.00010 and 0.00023; ExAC 0.00025; ESP Exome Variant Server 0.00062; gnomAD 0.00094 and 0.00101; TOPMed 0.00119; 1000 Genomes Project 30x 0.00172; 1000 Genomes Project 0.00180.
gnomAD v4.1: 287 of 1,613,426 alleles (0.018%); highest among the groups gnomAD compares: African/African-American, 0.37%; no homozygotes.

Submissions (3):

Labcorp Genetics (formerly Invitae), Labcorp
Classification: Likely benign for Ciliary dyskinesia, primary, 37; Spermatogenic failure 18. Last evaluated: 2025-12-16. Review status: criteria provided, single submitter. Criteria: Invitae Variant Classification Sherloc (09022015). Collection method: clinical testing. Allele origin: germline.

Mayo Clinic Laboratories, Mayo Clinic
Classification: Uncertain significance. Last evaluated: 2025-01-17. Review status: criteria provided, single submitter. Criteria: ACMG Guidelines, 2015. Collection method: clinical testing. Allele origin: germline. Observed: 1 variant allele.

PreventionGenetics, part of Exact Sciences
Classification: Likely benign for DNAH1-related condition. Last evaluated: 2023-12-04. Review status: no assertion criteria provided. Collection method: clinical testing. Allele origin: germline. Not counted in ClinVar's aggregate classification.
Comment: This variant is classified as likely benign based on ACMG/AMP sequence variant interpretation guidelines (Richards et al. 2015 PMID: 25741868, with internal and published modifications).

NM_015512.5(DNAH1):c.9440T>A (p.Ile3147Asn)

Gene: DNAH1 (dynein axonemal heavy chain 1; plus strand). Cytogenetic location: 3p21.1.
Variant type: single nucleotide variant.
Coding change: c.9440T>A on transcript NM_015512.5 (MANE Select); coding-DNA position 9440, T replaced by A.
Protein change: p.Ile3147Asn; replaces isoleucine 3147 with asparagine.
Molecular consequence: missense variant.
Genome position (GRCh38, 1-based): chr3:52,388,882, T>A. VCF-style: chr3-52388882-T-A. GRCh37 (hg19) VCF-style: chr3-52422898-T-A.
Other names: p.Ile3147Asn; short protein forms I3147N.
Identifiers: ClinVar variation 478512 (VCV000478512.13), dbSNP rs61734629, ClinGen allele CA2435529.